The following is an entry in ClinVar:

NM_016203.4(PRKAG2):c.467-1G>T

Gene: PRKAG2 (protein kinase AMP-activated non-catalytic subunit gamma 2; minus strand). Cytogenetic location: 7q36.1.
Variant type: single nucleotide variant.
Coding change: c.467-1G>T on transcript NM_016203.4 (MANE Select); the canonical splice acceptor site of the intron before coding-DNA position 467, G replaced by T.
Molecular consequence: splice acceptor variant. On other transcripts: intron variant (5).
Genome position (GRCh38, 1-based): chr7:151,675,638, C>A on the plus strand (G>T on the coding strand, the complement: PRKAG2 is on the minus strand). VCF-style: chr7-151675638-C-A. GRCh37 (hg19) VCF-style: chr7-151372724-C-A.
Other names: c.467-80187G>T (NM_001407031.1); c.467-80184G>T (NM_001407030.1); c.467-1G>T (NM_001407023.1, NM_001407022.1, NM_001407021.1); c.149-1G>T (NM_001407032.1); c.335-1G>T (NM_001407026.1, NM_001040633.2, NM_001407027.1 and 1 more transcripts); c.361-43500G>T (NM_001407033.1); c.94+60262G>T (NM_001407037.1); c.13-43500G>T (NM_001407038.1); and 1 more.
Identifiers: ClinVar variation 4822965 (VCV004822965.4).
Genomic context (GRCh38, chr7:151,675,638, plus strand): 5'-GAAACGTGTGCTGCTTGGTCACTTGGGTGGGTGTTGACGGAGAGGAGGAGAGGCCGGAGG[C>A]TGCAGAAGAAACACCAAGGACGGTCAGAGGTCCGGCTTCCAGGAAGGGACGTCGGGGGTG-3'

ClinVar aggregate classification (germline): Uncertain significance (1 of 4 stars; one submission).

Submission:

CeGaT Center for Human Genetics Tuebingen
Classification: Uncertain significance. Last evaluated: 2026-01-01. Review status: criteria provided, single submitter. Criteria: CeGaT Center For Human Genetics Tuebingen Variant Classification Criteria Version 2. Collection method: clinical testing. Allele origin: germline. Affected: yes. Observed: 1 variant allele.
Comment: PRKAG2: PM2, PVS1:Moderate